The following is an entry in ClinVar:

NM_022436.3(ABCG5):c.1528C>G (p.His510Asp)

Genes: ABCG5 (ATP binding cassette subfamily G member 5; minus strand), DYNC2LI1 (dynein cytoplasmic 2 light intermediate chain 1; plus strand). Cytogenetic location: 2p21.
Variant type: single nucleotide variant.
Coding change: c.1528C>G on transcript NM_022436.3 (MANE Select); coding-DNA position 1528, C replaced by G.
Protein change: p.His510Asp; replaces histidine 510 with aspartic acid.
Molecular consequence: missense variant. On other transcripts: intron variant (2).
Genome position (GRCh38, 1-based): chr2:43,820,036, G>C on the plus strand (C>G on the coding strand, the complement: ABCG5 is on the minus strand). VCF-style: chr2-43820036-G-C. GRCh37 (hg19) VCF-style: chr2-44047175-G-C.
Other names: c.*16-7350G>C (NM_001348913.2, NM_001348912.2); c.1528C>G (NM_022436.2); short protein forms H510D.
Identifiers: ClinVar variation 498033 (VCV000498033.12), dbSNP rs199984328, ClinGen allele CA346663055.
Genomic context (GRCh38, chr2:43,820,036, plus strand): 5'-CTATATTTGGATTTTGGACGATACCAAGTAGCACAAGAGTTAGAAATTCACCAATTAAGT[G>C]GGGGGCCAAGAGAGCAGCAGAAAAATATCCAAATCGGGCAACCTCAGGATGTAAGCCCAG-3'
Protein context (NP_071881.1, residues 500-520): GYFSAALLAP[His510Asp]LIGEFLTLVL

ClinVar aggregate classification (germline): Conflicting classifications of pathogenicity. Review status: criteria provided, conflicting classifications (1 of 4 stars). 4 submissions from 4 submitters: Likely pathogenic (1); Uncertain significance (3). Last evaluated 2026-01-02.

Conditions:
ABCG5-related disorder. Also called: ABCG5-related condition.
Sitosterolemia 2. Identifiers: MedGen C5231453, MONDO:0020748, OMIM 618666.
Sitosterolemia (STSL). Also called: PHYTOSTEROLEMIA. Identifiers: Orphanet 2882, MedGen C0342907, MONDO:0008863.

gnomAD v4.1: 3 of 1,614,030 alleles (0.00019%); highest among the groups gnomAD compares: East Asian, 0.0022%; no homozygotes.

Submissions (4):

PreventionGenetics, part of Exact Sciences
Classification: Uncertain significance for ABCG5-related condition. Last evaluated: 2026-01-02. Review status: criteria provided, single submitter. Criteria: ACMG Guidelines, 2015. Collection method: clinical testing. Allele origin: germline.
Comment: The ABCG5 c.1528C>G variant is predicted to result in the amino acid substitution p.His510Asp. This variant has been reported in the compound heterozygous state with a nonsense variant in two unrelated individuals with sitosterolemia (Kratz et al. 2007. PubMed ID: 17228349; Zhang et al. 2022. PubMed ID: 36229885). This variant has not been reported in a large population database (gnomAD), indicating this variant is rare. This variant has conflicting interpretations regarding its pathogenicity in ClinVar, ranging from uncertain to likely pathogenic (Variation ID: 498033). Although we suspect that this variant may be pathogenic, at this time, the clinical significance of this variant is uncertain due to the absence of conclusive functional and genetic evidence.

Labcorp Genetics (formerly Invitae), Labcorp
Classification: Likely pathogenic for Sitosterolemia. Last evaluated: 2024-07-15. Review status: criteria provided, single submitter. Criteria: Invitae Variant Classification Sherloc (09022015). Collection method: clinical testing. Allele origin: germline.
Comment: This sequence change replaces histidine, which is basic and polar, with aspartic acid, which is acidic and polar, at codon 510 of the ABCG5 protein (p.His510Asp). This variant is not present in population databases (gnomAD no frequency). This missense change has been observed in individual(s) with sitosterolemia (PMID: 17228349, 36229885). In at least one individual the data is consistent with being in trans (on the opposite chromosome) from a pathogenic variant. ClinVar contains an entry for this variant (Variation ID: 498033). An algorithm developed to predict the effect of missense changes on protein structure and function (PolyPhen-2) suggests that this variant is likely to be disruptive. This variant disrupts the p.His510 amino acid residue in ABCG5. Other variant(s) that disrupt this residue have been observed in individuals with ABCG5-related conditions (PMID: 30782472), which suggests that this may be a clinically significant amino acid residue. In summary, the currently available evidence indicates that the variant is pathogenic, but additional data are needed to prove that conclusively. Therefore, this variant has been classified as Likely Pathogenic.

Revvity Omics, Revvity
Classification: Uncertain significance for Sitosterolemia 2. Last evaluated: 2023-08-30. Review status: criteria provided, single submitter. Criteria: ACMG Guidelines, 2015. Collection method: clinical testing. Allele origin: germline.

Eurofins Ntd Llc (ga)
Classification: Uncertain significance. Last evaluated: 2016-10-25. Review status: criteria provided, single submitter. Criteria: EGL Classification Definitions 2015. Collection method: clinical testing. Allele origin: germline. Observed: 1 variant allele, 1 heterozygote.

Literature cited by the submitters: PubMed 17228349 (cited by Labcorp Genetics (formerly Invitae), Labcorp); PubMed 36229885 (cited by Labcorp Genetics (formerly Invitae), Labcorp); PubMed 30782472 (cited by Labcorp Genetics (formerly Invitae), Labcorp).